The following is an entry in ClinVar:

ClinVar aggregate classification (germline): Uncertain significance (1 of 4 stars; one submission).

Conditions:
DiGeorge syndrome. Also called: Catch22; THIRD AND FOURTH PHARYNGEAL POUCH SYNDROME. Identifiers: Orphanet 567, MedGen C0012236, MONDO:0008564, OMIM 188400.

Submission:

Labcorp Genetics (formerly Invitae), Labcorp
Classification: Uncertain significance for DiGeorge syndrome. Last evaluated: 2025-11-08. Review status: criteria provided, single submitter. Criteria: Invitae Variant Classification Sherloc (09022015). Collection method: clinical testing. Allele origin: germline.
Comment: This sequence change replaces alanine, which is neutral and non-polar, with aspartic acid, which is acidic and polar, at codon 82 of the TBX1 protein (p.Ala82Asp). This variant is not present in population databases (gnomAD no frequency). This variant has not been reported in the literature in individuals affected with TBX1-related conditions. Invitae Evidence Modeling of protein sequence and biophysical properties (such as structural, functional, and spatial information, amino acid conservation, physicochemical variation, residue mobility, and thermodynamic stability) indicates that this missense variant is not expected to disrupt TBX1 protein function with a negative predictive value of 80%. In summary, the available evidence is currently insufficient to determine the role of this variant in disease. Therefore, it has been classified as a Variant of Uncertain Significance.

NM_001379200.1(TBX1):c.272C>A (p.Ala91Asp)

Gene: TBX1 (T-box transcription factor 1; plus strand). Cytogenetic location: 22q11.21.
Variant type: single nucleotide variant.
Coding change: c.272C>A on transcript NM_001379200.1 (MANE Select); coding-DNA position 272, C replaced by A.
Protein change: p.Ala91Asp; replaces alanine 91 with aspartic acid.
Molecular consequence: missense variant.
Genome position (GRCh38, 1-based): chr22:19,761,115, C>A. VCF-style: chr22-19761115-C-A. GRCh37 (hg19) VCF-style: chr22-19748638-C-A.
Other names: c.245C>A, p.Ala82Asp (NM_005992.1, NM_080646.2, NM_080647.1); short protein forms A91D, A82D.
Identifiers: ClinVar variation 4740898 (VCV004740898.1).